The following is an entry in ClinVar:

ClinVar aggregate classification (germline): Uncertain significance. Review status: criteria provided, multiple submitters, no conflicts (2 of 4 stars). 2 submissions from 2 submitters: Uncertain significance (2). Last evaluated 2024-11-03.

Conditions:
Ehlers-Danlos syndrome, classic type, 1 (EDSCL1). Also called: EHLERS-DANLOS SYNDROME, GRAVIS TYPE; EHLERS-DANLOS SYNDROME, SEVERE CLASSIC TYPE; EDS I; Ehlers-Danlos Syndrome, Classic Type, COL5A1-Related; Ehlers-Danlos syndrome, type 1. Identifiers: MedGen C0268335, MONDO:0019567, OMIM 130000.

Allele frequency attached by ClinVar (database versions not stated): gnomAD exomes below 0.00001.
gnomAD v4.1: 4 of 1,612,472 alleles (0.00025%); highest among the groups gnomAD compares: Non-Finnish European, 0.00034%; no homozygotes.

Submissions (2):

Labcorp Genetics (formerly Invitae), Labcorp
Classification: Uncertain significance for Ehlers-Danlos syndrome, classic type, 1. Last evaluated: 2024-11-03. Review status: criteria provided, single submitter. Criteria: Invitae Variant Classification Sherloc (09022015). Collection method: clinical testing. Allele origin: germline.
Comment: This sequence change replaces threonine, which is neutral and polar, with isoleucine, which is neutral and non-polar, at codon 392 of the COL5A2 protein (p.Thr392Ile). This variant is not present in population databases (gnomAD no frequency). This variant has not been reported in the literature in individuals affected with COL5A2-related conditions. ClinVar contains an entry for this variant (Variation ID: 459724). Invitae Evidence Modeling of protein sequence and biophysical properties (such as structural, functional, and spatial information, amino acid conservation, physicochemical variation, residue mobility, and thermodynamic stability) indicates that this missense variant is not expected to disrupt COL5A2 protein function with a negative predictive value of 80%. In summary, the available evidence is currently insufficient to determine the role of this variant in disease. Therefore, it has been classified as a Variant of Uncertain Significance.

GeneDx
Classification: Uncertain significance. Last evaluated: 2019-02-26. Review status: criteria provided, single submitter. Criteria: GeneDx Variant Classification Process June 2021. Collection method: clinical testing. Allele origin: germline. Affected: yes.
Comment: Has not been previously published as pathogenic or benign to our knowledge; In silico analysis, which includes protein predictors and evolutionary conservation, supports that this variant does not alter protein structure/function; Reported in ClinVar but additional evidence is not available (ClinVar Variant ID# 459724; Landrum et al., 2016); Not observed in large population cohorts (Lek et al., 2016)

NM_000393.5(COL5A2):c.1175C>T (p.Thr392Ile)

Gene: COL5A2 (collagen type V alpha 2 chain; minus strand). Cytogenetic location: 2q32.2.
Variant type: single nucleotide variant.
Coding change: c.1175C>T on transcript NM_000393.5 (MANE Select); coding-DNA position 1175, C replaced by T.
Protein change: p.Thr392Ile; replaces threonine 392 with isoleucine.
Molecular consequence: missense variant.
Genome position (GRCh38, 1-based): chr2:189,068,868, G>A on the plus strand (C>T on the coding strand, the complement: COL5A2 is on the minus strand). VCF-style: chr2-189068868-G-A. GRCh37 (hg19) VCF-style: chr2-189933594-G-A.
Other names: short protein forms T392I.
Identifiers: ClinVar variation 459724 (VCV000459724.13), dbSNP rs1553515880, ClinGen allele CA349853862.